The following is an entry in ClinVar:

ClinVar aggregate classification (germline): Pathogenic (1 of 4 stars; one submission).

Submission:

Labcorp Genetics (formerly Invitae), Labcorp
Classification: Pathogenic. Last evaluated: 2021-05-02. Review status: criteria provided, single submitter. Criteria: Invitae Variant Classification Sherloc (09022015). Collection method: clinical testing. Allele origin: germline.
Comment: This variant has not been reported in the literature in individuals with COL27A1-related conditions. This variant is not present in population databases (ExAC no frequency). This sequence change creates a premature translational stop signal (p.Val860Glyfs*70) in the COL27A1 gene. It is expected to result in an absent or disrupted protein product. Loss-of-function variants in COL27A1 are known to be pathogenic (PMID: 24986830, 28276056). Algorithms developed to predict the effect of sequence changes on RNA splicing suggest that this variant may create or strengthen a splice site, but this prediction has not been confirmed by published transcriptional studies. For these reasons, this variant has been classified as Pathogenic.

Literature cited by the submitters: PubMed 24986830; PubMed 28276056.

NM_032888.4(COL27A1):c.2576_2577insT (p.Val860fs)

Gene: COL27A1 (collagen type XXVII alpha 1 chain; plus strand). Cytogenetic location: 9q32.
Variant type: Insertion.
Coding change: c.2576_2577insT on transcript NM_032888.4 (MANE Select); coding-DNA positions 2576 to 2577, T inserted.
Protein change: p.Val860fs; shifts the reading frame from valine 860.
Molecular consequence: frameshift variant.
Genome position: GRCh38 VCF-style: chr9-114235609-G-GT. GRCh37 (hg19) VCF-style: chr9-116997889-G-GT.
Other names: short protein forms V860fs.
Identifiers: ClinVar variation 1372660 (VCV001372660.6), dbSNP rs2135453120, ClinGen allele CA2573143799.
Genomic context (GRCh38, chr9:114,235,609, plus strand): 5'-CAGAACCCACGTGGCCTCCATTGTAACCTTCTTTGCTGGTGTGTACTTAGGGTGAACAAG[G>GT]GGTTCCAGGTGTGTCAGGAGATCCCGGATTCCAAGGAGACAAGGTAATTGCATGAGATTT-3'